The following is an entry in ClinVar:

ClinVar aggregate classification (germline): Pathogenic (1 of 4 stars; one submission).

Conditions:
Bardet-Biedl syndrome (BBS). Identifiers: Orphanet 110, MedGen C0752166, MONDO:0015229.

gnomAD v4.1: 4 of 1,613,876 alleles (0.00025%); highest among the groups gnomAD compares: Non-Finnish European, 0.00034%; no homozygotes.

Submission:

Labcorp Genetics (formerly Invitae), Labcorp
Classification: Pathogenic for Bardet-Biedl syndrome. Last evaluated: 2023-09-28. Review status: criteria provided, single submitter. Criteria: Invitae Variant Classification Sherloc (09022015). Collection method: clinical testing. Allele origin: germline.
Comment: This sequence change creates a premature translational stop signal (p.Gln553*) in the BBS7 gene. It is expected to result in an absent or disrupted protein product. Loss-of-function variants in BBS7 are known to be pathogenic (PMID: 12567324, 19402160, 21209035, 31196119). This variant is not present in population databases (gnomAD no frequency). This premature translational stop signal has been observed in individual(s) with clinical features of Bardet-Biedl syndrome (PMID: 29970488). ClinVar contains an entry for this variant (Variation ID: 859098). For these reasons, this variant has been classified as Pathogenic.

Literature cited by the submitters: PubMed 12567324; PubMed 19402160; PubMed 21209035; PubMed 31196119; PubMed 29970488.

NM_176824.3(BBS7):c.1657C>T (p.Gln553Ter)

Gene: BBS7 (Bardet-Biedl syndrome 7; minus strand). Cytogenetic location: 4q27.
Variant type: single nucleotide variant.
Coding change: c.1657C>T on transcript NM_176824.3 (MANE Select); coding-DNA position 1657, C replaced by T.
Protein change: p.Gln553Ter; replaces glutamine 553 with a stop codon.
Molecular consequence: nonsense.
Genome position (GRCh38, 1-based): chr4:121,833,250, G>A on the plus strand (C>T on the coding strand, the complement: BBS7 is on the minus strand). VCF-style: chr4-121833250-G-A. GRCh37 (hg19) VCF-style: chr4-122754405-G-A.
Other names: c.1657C>T, p.Gln553Ter (NM_018190.4); short protein forms Q553*.
Identifiers: ClinVar variation 859098 (VCV000859098.6), dbSNP rs1394015094, ClinGen allele CA358057104.